The following is an entry in ClinVar:

NM_138370.3(PKDCC):c.1115-2A>G

Gene: PKDCC (protein kinase domain containing, cytoplasmic; plus strand). Cytogenetic location: 2p21.
Variant type: single nucleotide variant.
Coding change: c.1115-2A>G on transcript NM_138370.3 (MANE Select); the canonical splice acceptor site of the intron before coding-DNA position 1115, A replaced by G.
Molecular consequence: splice acceptor variant.
Genome position (GRCh38, 1-based): chr2:42,055,284, A>G. VCF-style: chr2-42055284-A-G. GRCh37 (hg19) VCF-style: chr2-42282424-A-G.
Identifiers: ClinVar variation 1480267 (VCV001480267.1), dbSNP rs2103930689, ClinGen allele CA346624595.
Genomic context (GRCh38, chr2:42,055,284, plus strand): 5'-GCTGACTTCAGGGAGGAGTGGGAGCCCCAGGCATCCTGTCTTAGCCACACTGCACTCTGC[A>G]GGAGAGCTCGCCTGGGGGGTGGACGAGACCCTGGCCCAGCTGGAGAAGGTGCTGCACCTG-3'

ClinVar aggregate classification (germline): Likely pathogenic (1 of 4 stars; one submission).

Submission:

Labcorp Genetics (formerly Invitae), Labcorp
Classification: Likely pathogenic. Last evaluated: 2021-09-04. Review status: criteria provided, single submitter. Criteria: Invitae Variant Classification Sherloc (09022015). Collection method: clinical testing. Allele origin: germline.
Comment: This sequence change affects an acceptor splice site in intron 4 of the PKDCC gene. It is expected to disrupt RNA splicing. Variants that disrupt the donor or acceptor splice site typically lead to a loss of protein function (PMID: 16199547), and loss-of-function variants in PKDCC are known to be pathogenic (PMID: 19097194, 30478137). This variant is not present in population databases (ExAC no frequency). This variant has not been reported in the literature in individuals affected with PKDCC-related conditions. Algorithms developed to predict the effect of sequence changes on RNA splicing suggest that this variant may disrupt the consensus splice site. In summary, the currently available evidence indicates that the variant is pathogenic, but additional data are needed to prove that conclusively. Therefore, this variant has been classified as Likely Pathogenic.

Literature cited by the submitters: PubMed 16199547; PubMed 19097194; PubMed 30478137.